The following is an entry in ClinVar:

ClinVar aggregate classification (germline): Uncertain significance (1 of 4 stars; one submission).

Conditions:
DNM1-related disorder. Also called: DNM1-related condition.

Submission:

PreventionGenetics, part of Exact Sciences
Classification: Uncertain significance for DNM1-related condition. Last evaluated: 2026-09-04. Review status: criteria provided, single submitter. Criteria: ACMG Guidelines, 2015. Collection method: clinical testing. Allele origin: germline.
Comment: The DNM1 c.2044C>G variant is predicted to result in the amino acid substitution p.Pro682Ala. To our knowledge, this variant has not been reported in the literature or in a large population database (gnomAD), indicating this variant is rare. At this time, the clinical significance of this variant is uncertain due to the absence of conclusive functional and genetic evidence.

NM_004408.4(DNM1):c.2044C>G (p.Pro682Ala)

Gene: DNM1 (dynamin 1; plus strand). Cytogenetic location: 9q34.11.
Variant type: single nucleotide variant.
Coding change: c.2044C>G on transcript NM_004408.4 (MANE Select); coding-DNA position 2044, C replaced by G.
Protein change: p.Pro682Ala; replaces proline 682 with alanine.
Molecular consequence: missense variant.
Genome position (GRCh38, 1-based): chr9:128,248,721, C>G. VCF-style: chr9-128248721-C-G. GRCh37 (hg19) VCF-style: chr9-131011000-C-G.
Other names: c.2044C>G, p.Pro682Ala (NM_001005336.3, NM_001288737.2, NM_001288738.2 and 2 more transcripts); short protein forms P682A.
Identifiers: ClinVar variation 4989714 (VCV004989714.1).